The following is an entry in ClinVar:

NM_003560.4(PLA2G6):c.2114G>T (p.Cys705Phe)

Gene: PLA2G6 (phospholipase A2 group VI; minus strand). Cytogenetic location: 22q13.1.
Variant type: single nucleotide variant.
Coding change: c.2114G>T on transcript NM_003560.4 (MANE Select); coding-DNA position 2114, G replaced by T.
Protein change: p.Cys705Phe; replaces cysteine 705 with phenylalanine.
Molecular consequence: missense variant.
Genome position (GRCh38, 1-based): chr22:38,113,575, C>A on the plus strand (G>T on the coding strand, the complement: PLA2G6 is on the minus strand). VCF-style: chr22-38113575-C-A. GRCh37 (hg19) VCF-style: chr22-38509582-C-A.
Other names: c.1952G>T, p.Cys651Phe (NM_001004426.3, NM_001199562.3, NM_001349865.2 and 1 more transcripts); c.2114G>T, p.Cys705Phe (NM_001349864.2); c.1580G>T, p.Cys527Phe (NM_001349867.2); c.1436G>T, p.Cys479Phe (NM_001349868.2); c.1418G>T, p.Cys473Phe (NM_001349869.2); short protein forms C473F, C479F, C527F, C651F, C705F.
Identifiers: ClinVar variation 3774004 (VCV003774004.2).

ClinVar aggregate classification (germline): Uncertain significance (1 of 4 stars; one submission).

Submission:

GeneDx
Classification: Uncertain significance. Last evaluated: 2025-04-25. Review status: criteria provided, single submitter. Criteria: GeneDx Variant Classification Process June 2021. Collection method: clinical testing. Allele origin: germline.
Comment: Not observed at significant frequency in large population cohorts (gnomAD); In silico analysis indicates that this missense variant does not alter protein structure/function; Has not been previously published as pathogenic or benign to our knowledge